The following is an entry in ClinVar:

NM_001166108.2(PALLD):c.1336G>C (p.Glu446Gln)

Gene: PALLD (palladin, cytoskeletal associated protein; plus strand). Cytogenetic location: 4q32.3.
Variant type: single nucleotide variant.
Coding change: c.1336G>C on transcript NM_001166108.2 (MANE Select); coding-DNA position 1336, G replaced by C.
Protein change: p.Glu446Gln; replaces glutamic acid 446 with glutamine.
Molecular consequence: missense variant.
Genome position (GRCh38, 1-based): chr4:168,690,603, G>C. VCF-style: chr4-168690603-G-C. GRCh37 (hg19) VCF-style: chr4-169611754-G-C.
Other names: c.190G>C, p.Glu64Gln (NM_001166109.2); c.1336G>C, p.Glu446Gln (NM_016081.4); short protein forms E446Q, E64Q.
Identifiers: ClinVar variation 3226726 (VCV003226726.1), dbSNP rs1580987834, ClinGen allele CA358795224.

ClinVar aggregate classification (germline): Uncertain significance (1 of 4 stars; one submission).

Submission:

Ambry Genetics
Classification: Uncertain significance. Last evaluated: 2024-02-02. Review status: criteria provided, single submitter. Criteria: Ambry Variant Classification Scheme 2023. Collection method: clinical testing. Allele origin: germline.
Comment: The p.E446Q variant (also known as c.1336G>C) is located in coding exon 6 of the PALLD gene. The glutamic acid at codon 446 is replaced by glutamine, an amino acid with highly similar properties. This change occurs in the first base pair of coding exon 6. This amino acid position is conserved. In addition, this alteration is predicted to be tolerated by in silico analysis. Based on the available evidence, the clinical significance of this alteration remains unclear.